The following is an entry in ClinVar:

ClinVar aggregate classification (germline): Uncertain significance (1 of 4 stars; one submission).

gnomAD v4.1: 6 of 1,614,118 alleles (0.00037%); highest among the groups gnomAD compares: Non-Finnish European, 0.00025%; no homozygotes.

Submission:

Mayo Clinic Laboratories, Mayo Clinic
Classification: Uncertain significance. Last evaluated: 2025-01-07. Review status: criteria provided, single submitter. Criteria: ACMG Guidelines, 2015. Collection method: clinical testing. Allele origin: germline. Observed: 1 variant allele.
Comment: PM2_supporting

NM_000398.7(CYB5R3):c.360G>C (p.Lys120Asn)

Gene: CYB5R3 (cytochrome b5 reductase 3; minus strand). Cytogenetic location: 22q13.2.
Variant type: single nucleotide variant.
Coding change: c.360G>C on transcript NM_000398.7 (MANE Select); coding-DNA position 360, G replaced by C.
Protein change: p.Lys120Asn; replaces lysine 120 with asparagine.
Molecular consequence: missense variant.
Genome position (GRCh38, 1-based): chr22:42,628,255, C>G on the plus strand (G>C on the coding strand, the complement: CYB5R3 is on the minus strand). VCF-style: chr22-42628255-C-G. GRCh37 (hg19) VCF-style: chr22-43024261-C-G.
Other names: p.Lys120Asn; c.291G>C, p.Lys97Asn (NM_001129819.2, NM_001171661.1, NM_007326.4); c.459G>C, p.Lys153Asn (NM_001171660.2); short protein forms K153N, K120N, K97N.
Identifiers: ClinVar variation 4542458 (VCV004542458.1).
Genomic context (GRCh38, chr22:42,628,255, plus strand): 5'-AATGGTGTCTCCAATCTGCATGCTCTCCAGGTACTGAGACATCTTCCCTCCAGCGGGAAA[C>G]TTGGGATGGGTGTCCTTGAAGTAAACCTGCAAGACACCCCCGCAGCCCTCAGTCCCCAGC-3'
Protein context (NP_000389.1, residues 110-130): IKVYFKDTHP[Lys120Asn]FPAGGKMSQY